The following is an entry in ClinVar:

NM_001042492.3(NF1):c.5743C>G (p.Leu1915Val)

Gene: NF1 (neurofibromin 1; plus strand). Cytogenetic location: 17q11.2.
Variant type: single nucleotide variant.
Coding change: c.5743C>G on transcript NM_001042492.3 (MANE Select); coding-DNA position 5743, C replaced by G.
Protein change: p.Leu1915Val; replaces leucine 1915 with valine.
Molecular consequence: missense variant.
Genome position (GRCh38, 1-based): chr17:31,330,429, C>G. VCF-style: chr17-31330429-C-G. GRCh37 (hg19) VCF-style: chr17-29657447-C-G.
Other names: c.5680C>G, p.Leu1894Val (NM_000267.4); short protein forms L1894V, L1915V.
Identifiers: ClinVar variation 1749033 (VCV001749033.5), dbSNP rs2151544820, ClinGen allele CA399010379.

ClinVar aggregate classification (germline): Uncertain significance. Review status: criteria provided, multiple submitters, no conflicts (2 of 4 stars). 2 submissions from 2 submitters: Uncertain significance (2). Last evaluated 2026-07-23.

Conditions:
Cardiovascular phenotype. Identifiers: MedGen CN230736.
Hereditary cancer-predisposing syndrome. Also called: Hereditary Cancer Syndrome; Hereditary neoplastic syndrome; Neoplastic Syndromes, Hereditary; Tumor predisposition. Identifiers: Orphanet 140162, MedGen C0027672, MeSH D009386, MONDO:0015356.

Submissions (2):

Ambry Genetics
Classification: Uncertain significance for Cardiovascular phenotype; Hereditary cancer-predisposing syndrome. Last evaluated: 2026-07-23. Review status: criteria provided, single submitter. Criteria: Ambry Variant Classification Scheme 2023. Collection method: clinical testing. Allele origin: germline.
Comment: The p.L1894V variant (also known as c.5680C>G), located in coding exon 38 of the NF1 gene, results from a C to G substitution at nucleotide position 5680. The leucine at codon 1894 is replaced by valine, an amino acid with highly similar properties. This amino acid position is highly conserved in available vertebrate species. In addition, this alteration is predicted to be deleterious by in silico analysis. Since supporting evidence is limited at this time, the clinical significance of this alteration remains unclear.

GeneDx
Classification: Uncertain significance. Last evaluated: 2022-10-05. Review status: criteria provided, single submitter. Criteria: GeneDx Variant Classification Process June 2021. Collection method: clinical testing. Allele origin: germline. Affected: yes.
Comment: Not observed at significant frequency in large population cohorts (gnomAD); In silico analysis supports that this missense variant does not alter protein structure/function; Has not been previously published as pathogenic or benign to our knowledge